The following is an entry in ClinVar:

NM_004260.4(RECQL4):c.257C>T (p.Ala86Val)

Gene: RECQL4 (RecQ like helicase 4; minus strand). Cytogenetic location: 8q24.3.
Variant type: single nucleotide variant.
Coding change: c.257C>T on transcript NM_004260.4 (MANE Select); coding-DNA position 257, C replaced by T.
Protein change: p.Ala86Val; replaces alanine 86 with valine.
Molecular consequence: missense variant. On other transcripts: 5 prime UTR variant (17), non-coding transcript variant (3).
Genome position (GRCh38, 1-based): chr8:144,517,147, G>A on the plus strand (C>T on the coding strand, the complement: RECQL4 is on the minus strand). VCF-style: chr8-144517147-G-A. GRCh37 (hg19) VCF-style: chr8-145742531-G-A.
Other names: c.257C>T, p.Ala86Val (NM_001413017.1, NM_001413018.1, NM_001413019.1 and 5 more transcripts); c.-464C>T (NM_001413021.1); c.-815C>T (NM_001413022.1, NM_001413023.1, NM_001413037.1 and 3 more transcripts); c.-712C>T (NM_001413024.1, NM_001413035.1); c.128C>T, p.Ala43Val (NM_001413025.1); c.-877C>T (NM_001413027.1, NM_001413030.1, NM_001413031.1 and 1 more transcripts); c.-540C>T (NM_001413028.1); c.-774C>T (NM_001413032.1); and 2 more; short protein forms A86V, A43V.
Identifiers: ClinVar variation 2773024 (VCV002773024.3), dbSNP rs1207989827, ClinGen allele CA372692241.

ClinVar aggregate classification (germline): Uncertain significance (1 of 4 stars; one submission).

Conditions:
Baller-Gerold syndrome (BGS). Also called: CRANIOSYNOSTOSIS WITH RADIAL DEFECTS. Identifiers: Orphanet 1225, MedGen C0265308, MONDO:0009039, OMIM 218600.

gnomAD v4.1: 1 of 1,610,924 alleles (0.000062%); highest among the groups gnomAD compares: East Asian, 0.0022%; no homozygotes.

Submission:

Labcorp Genetics (formerly Invitae), Labcorp
Classification: Uncertain significance for Baller-Gerold syndrome. Last evaluated: 2023-06-05. Review status: criteria provided, single submitter. Criteria: Invitae Variant Classification Sherloc (09022015). Collection method: clinical testing. Allele origin: germline.
Comment: This sequence change replaces alanine, which is neutral and non-polar, with valine, which is neutral and non-polar, at codon 86 of the RECQL4 protein (p.Ala86Val). This variant is not present in population databases (gnomAD no frequency). This variant has not been reported in the literature in individuals affected with RECQL4-related conditions. Advanced modeling of protein sequence and biophysical properties (such as structural, functional, and spatial information, amino acid conservation, physicochemical variation, residue mobility, and thermodynamic stability) performed at Invitae indicates that this missense variant is not expected to disrupt RECQL4 protein function. In summary, the available evidence is currently insufficient to determine the role of this variant in disease. Therefore, it has been classified as a Variant of Uncertain Significance.